The following is an entry in ClinVar:

ClinVar aggregate classification (germline): Benign (0 of 4 stars; one submission).

Conditions:
MUC16-related disorder. Also called: MUC16-related condition.

Allele frequency attached by ClinVar (database versions not stated): ExAC 0.00127; 1000 Genomes Project 0.00439; gnomAD 0.00439; ESP Exome Variant Server 0.00459; 1000 Genomes Project 30x 0.00484.

Submission:

PreventionGenetics, part of Exact Sciences
Classification: Benign for MUC16-related condition. Last evaluated: 2019-11-20. Review status: no assertion criteria provided. Collection method: clinical testing. Allele origin: germline.
Comment: This variant is classified as benign based on ACMG/AMP sequence variant interpretation guidelines (Richards et al. 2015 PMID: 25741868, with internal and published modifications).

NM_001401501.2(MUC16):c.38810C>T (p.Pro12937Leu)

Gene: MUC16 (mucin 16, cell surface associated; minus strand). Cytogenetic location: 19p13.2.
Variant type: single nucleotide variant.
Coding change: c.38810C>T on transcript NM_001401501.2 (MANE Select); coding-DNA position 38810, C replaced by T.
Protein change: p.Pro12937Leu; replaces proline 12937 with leucine.
Molecular consequence: missense variant.
Genome position (GRCh38, 1-based): chr19:8,902,144, G>A on the plus strand (C>T on the coding strand, the complement: MUC16 is on the minus strand). VCF-style: chr19-8902144-G-A. GRCh37 (hg19) VCF-style: chr19-9012820-G-A.
Other names: c.39236C>T, p.Pro13079Leu (NM_001414686.1); c.38690C>T, p.Pro12897Leu (NM_001414687.1); c.38624C>T, p.Pro12875Leu (NM_024690.2); short protein forms P12875L, P12897L, P12937L, P13079L.
Identifiers: ClinVar variation 3037363 (VCV003037363.2), dbSNP rs191266355, ClinGen allele CA9164473.
Genomic context (GRCh38, chr19:8,902,144, plus strand): 5'-GGTGGAGCACTAACCAGACCCTGCAGGACCCGCTCCGTGGTGTTGAACTTCCTGGAGCCT[G>A]GGTGATGCATGTCCTCCTCGTACTGCAGGTTGGTGATGGTGAAGTTGAGGGTGAATGGCA-3'
Protein context (NP_001388430.1, residues 12927-12947): NLQYEEDMHH[Pro12937Leu]GSRKFNTTER